The following is an entry in ClinVar:

ClinVar aggregate classification (germline): Likely benign (1 of 4 stars; one submission).

Submission:

Women's Health and Genetics/Laboratory Corporation of America, LabCorp
Classification: Likely benign. Last evaluated: 2026-03-02. Review status: criteria provided, single submitter. Criteria: LabCorp Variant Classification Summary - May 2015. Collection method: clinical testing. Allele origin: germline.
Comment: Variant summary: COL1A2 c.792+15_792+17delinsTAT alters a nucleotide located at a position not widely known to affect splicing. Consensus agreement among computation tools predict no significant impact on normal splicing. However, these predictions have yet to be confirmed by functional studies. The variant was absent in 251258 control chromosomes. The available data on variant occurrences in the general population are insufficient to allow any conclusion about variant significance. To our knowledge, no occurrence of c.792+15_792+17delinsTAT in individuals affected with COL1A2-related conditions and no experimental evidence demonstrating its impact on protein function have been reported. No submitters have cited clinical-significance assessments for this variant to ClinVar. Based on the evidence outlined above, the variant was classified as likely benign.

NM_000089.4(COL1A2):c.792+15_792+17delinsTAT

Gene: COL1A2 (collagen type I alpha 2 chain; plus strand). Cytogenetic location: 7q21.3.
Variant type: Indel.
Coding change: c.792+15_792+17delinsTAT on transcript NM_000089.4 (MANE Select); bases 15 to 17 of the intron after coding-DNA position 792, GAC replaced by TAT.
Molecular consequence: intron variant.
Genome position (GRCh38, 1-based): chr7:94,408,838-94,408,840, GAC replaced by TAT. VCF-style: chr7-94408838-GAC-TAT. GRCh37 (hg19) VCF-style: chr7-94038150-GAC-TAT.
Identifiers: ClinVar variation 4847556 (VCV004847556.1).